The following is an entry in ClinVar:

NM_006904.7(PRKDC):c.6194G>A (p.Arg2065His)

Gene: PRKDC (protein kinase, DNA-activated, catalytic subunit; minus strand). Cytogenetic location: 8q11.21.
Variant type: single nucleotide variant.
Coding change: c.6194G>A on transcript NM_006904.7 (MANE Select); coding-DNA position 6194, G replaced by A.
Protein change: p.Arg2065His; replaces arginine 2065 with histidine.
Molecular consequence: missense variant.
Genome position (GRCh38, 1-based): chr8:47,859,624, C>T on the plus strand (G>A on the coding strand, the complement: PRKDC is on the minus strand). VCF-style: chr8-47859624-C-T. GRCh37 (hg19) VCF-style: chr8-48772185-C-T.
Other names: c.6194G>A, p.Arg2065His (NM_001081640.2); short protein forms R2065H.
Identifiers: ClinVar variation 2892079 (VCV002892079.2), dbSNP rs1444350414, ClinGen allele CA371161139.
Genomic context (GRCh38, chr8:47,859,624, plus strand): 5'-CTTCACAAACATCGACAATATTCTTTTAGTATGTGAAATGTGATCACCCGTCTCCGAAAA[C>T]GACCAGTGGCAGGTCTAGGGTCTTGGGAGCTGTATGAATAGCTCTGAACTCCGGTTGAGA-3'
Protein context (NP_008835.5, residues 2055-2075): SSQDPRPATG[Arg2065His]FRRREQRDPT

ClinVar aggregate classification (germline): Conflicting classifications of pathogenicity. Review status: criteria provided, conflicting classifications (1 of 4 stars). 2 submissions from 2 submitters: Uncertain significance (1); Likely benign (1). Last evaluated 2023-12-28.

Conditions:
Severe combined immunodeficiency due to DNA-PKcs deficiency. Also called: IMMUNODEFICIENCY 26 WITH NEUROLOGIC ABNORMALITIES; Immunodeficiency 26 with or without neurologic abnormalities. Identifiers: Orphanet 317425, MedGen C4014833, MONDO:0014423, OMIM 615966.

Allele frequency attached by ClinVar (database versions not stated): TOPMed below 0.00001; gnomAD exomes 0.00001.
gnomAD v4.1: 8 of 1,609,894 alleles (0.0005%); highest among the groups gnomAD compares: South Asian, 0.0022%; no homozygotes.

Submissions (2):

Labcorp Genetics (formerly Invitae), Labcorp
Classification: Uncertain significance for Severe combined immunodeficiency due to DNA-PKcs deficiency. Last evaluated: 2023-12-28. Review status: criteria provided, single submitter. Criteria: Invitae Variant Classification Sherloc (09022015). Collection method: clinical testing. Allele origin: germline.
Comment: This sequence change replaces arginine, which is basic and polar, with histidine, which is basic and polar, at codon 2065 of the PRKDC protein (p.Arg2065His). This variant is present in population databases (no rsID available, gnomAD 0.003%). This variant has not been reported in the literature in individuals affected with PRKDC-related conditions. Advanced modeling of protein sequence and biophysical properties (such as structural, functional, and spatial information, amino acid conservation, physicochemical variation, residue mobility, and thermodynamic stability) performed at Invitae indicates that this missense variant is not expected to disrupt PRKDC protein function with a negative predictive value of 80%. In summary, the available evidence is currently insufficient to determine the role of this variant in disease. Therefore, it has been classified as a Variant of Uncertain Significance.

Blueprint Genetics
Classification: Likely benign. Last evaluated: 2020-09-15. Review status: criteria provided, single submitter. Criteria: ACMG Guidelines, 2015. Collection method: clinical testing. Allele origin: germline.